The following is an entry in ClinVar:

ClinVar aggregate classification (germline): Uncertain significance (1 of 4 stars; one submission).

Conditions:
SAE1-related condition.

Submission:

PreventionGenetics, part of Exact Sciences
Classification: Uncertain significance for SAE1-related condition. Last evaluated: 2026-01-13. Review status: criteria provided, single submitter. Criteria: ACMG Guidelines, 2015. Collection method: clinical testing. Allele origin: germline.
Comment: The SAE1 c.292C>T variant is predicted to result in premature protein termination (p.Arg98*). To our knowledge, this variant has not been reported in the literature or in a large population database (gnomAD), indicating this variant is rare. Loss-of-function variants are not an established mechanism of disease at this time. At this time, the clinical significance of this variant is uncertain due to the absence of conclusive functional and genetic evidence.

NM_005500.3(SAE1):c.292C>T (p.Arg98Ter)

Gene: SAE1 (SUMO1 activating enzyme subunit 1; plus strand). Cytogenetic location: 19q13.32.
Variant type: single nucleotide variant.
Coding change: c.292C>T on transcript NM_005500.3 (MANE Select); coding-DNA position 292, C replaced by T.
Protein change: p.Arg98Ter; replaces arginine 98 with a stop codon.
Molecular consequence: nonsense. On other transcripts: non-coding transcript variant (1).
Genome position (GRCh38, 1-based): chr19:47,150,283, C>T. VCF-style: chr19-47150283-C-T. GRCh37 (hg19) VCF-style: chr19-47653540-C-T.
Other names: c.292C>T, p.Arg98Ter (NM_001145713.2, NM_001145714.2); short protein forms R98*.
Identifiers: ClinVar variation 4991622 (VCV004991622.1).
Genomic context (GRCh38, chr19:47,150,283, plus strand): 5'-GCTCAGTTCTTGATTCGTACTGGGTCTGTTGGCCGAAATAGGGCTGAAGCCTCTTTGGAG[C>T]GAGCTCAGAATCTCAACCCCATGGTGGATGTGAAGGTGGACACTGAGGATATAGAGAAGA-3'